The following is an entry in ClinVar:

ClinVar aggregate classification (germline): Uncertain significance (1 of 4 stars; one submission).

Conditions:
IQGAP1-related disorder. Also called: IQGAP1-related condition.

Submission:

PreventionGenetics, part of Exact Sciences
Classification: Uncertain significance for IQGAP1-related condition. Last evaluated: 2023-08-21. Review status: criteria provided, single submitter. Criteria: ACMG Guidelines, 2015. Collection method: clinical testing. Allele origin: germline.
Comment: The IQGAP1 c.4187T>A variant is predicted to result in the amino acid substitution p.Ile1396Asn. To our knowledge, this variant has not been reported in the literature or in a large population database, indicating this variant is rare. At this time, the clinical significance of this variant is uncertain due to the absence of conclusive functional and genetic evidence.

NM_003870.4(IQGAP1):c.4187T>A (p.Ile1396Asn)

Gene: IQGAP1 (IQ motif containing GTPase activating protein 1; plus strand). Cytogenetic location: 15q26.1.
Variant type: single nucleotide variant.
Coding change: c.4187T>A on transcript NM_003870.4 (MANE Select); coding-DNA position 4187, T replaced by A.
Protein change: p.Ile1396Asn; replaces isoleucine 1396 with asparagine.
Molecular consequence: missense variant.
Genome position (GRCh38, 1-based): chr15:90,487,521, T>A. VCF-style: chr15-90487521-T-A. GRCh37 (hg19) VCF-style: chr15-91030753-T-A.
Other names: short protein forms I1396N.
Identifiers: ClinVar variation 2630037 (VCV002630037.1), dbSNP rs1596292195, ClinGen allele CA393820657.